The following is an entry in ClinVar:

ClinVar aggregate classification (germline): Likely pathogenic (1 of 4 stars; one submission).

Conditions:
Cone-rod dystrophy 13 (CORD13). Identifiers: Orphanet 1872, MedGen C2750720, MONDO:0011987, OMIM 608194.

Submission:

Broad Center for Mendelian Genomics, Broad Institute of MIT and Harvard
Classification: Likely pathogenic for Cone-rod dystrophy 13. Last evaluated: 2023-08-24. Review status: criteria provided, single submitter. Criteria: ACMG/ClinGen CNV Guidelines, 2019. Collection method: research. Allele origin: maternal. Inheritance: Autosomal recessive inheritance. Affected: yes.
Comment: A maternally inherited heterozygous duplication of exons 2-3 in RPGRIP1 (NM_020366.4) was identified by exome sequencing in one individual with cone-rod dystrophy in the compound heterozygous state, along with a variant of uncertain significance (p.Val1265GlyfsTer19 ) (Variation ID: 814009), ([GRCh 38] chr14:21287774_21294830x3)(PMID: 30072743). The presence of this duplication was validated by qPCR. These breakpoints have been estimated by exome sequencing and therefore may not reflect the true breakpoints. qPCR supports that this intragenic duplication is in tandem (PMID: 30072743). The patient phenotype is nonspecific, but is consistent with cases described in the literature and/or published databases with overlapping variants. This intragenic variant is predicted to cause a frameshift, which alters the protein’s amino acid sequence beginning at exon 2 and leads to a premature termination codon. This alteration is then predicted to lead to a truncated or absent protein. Loss of function of RPGRIP1 is an established disease mechanism in autosomal recessive cone-rod dystrophy. In summary, although additional studies are required to fully establish its clinical significance, this variant is likely pathogenic for autosomal recessive cone-rod dystrophy. The ACMG/ClinGen evidence codes and points used in this curation are as follows: 1: 0 points, 2: 0.9 points, 4-5: 0.08 points; Total: 0.98 points; Riggs 2020 (PMID: 31690835).

Literature cited by the submitters: PubMed 30072743.

GRCh38/hg38 14q11.2(chr14:21287774-21294830)x3

Gene: RPGRIP1 (RPGR interacting protein 1; plus strand). Cytogenetic location: 14q11.2.
Variant type: copy number gain.
Change: copy number 3 (three copies instead of two) of chr14:21,287,774-21,294,830 (7.1 kb, GRCh38 coordinates, 1-based), cytogenetic band 14q11.2.
Identifiers: ClinVar variation 2579253 (VCV002579253.1).